The following is an entry in ClinVar:

ClinVar aggregate classification (germline): Uncertain significance (1 of 4 stars; one submission).

gnomAD v4.1: 24 of 1,613,990 alleles (0.0015%); highest among the groups gnomAD compares: South Asian, 0.0099%; no homozygotes.

Submission:

Labcorp Genetics (formerly Invitae), Labcorp
Classification: Uncertain significance. Last evaluated: 2025-07-06. Review status: criteria provided, single submitter. Criteria: Invitae Variant Classification Sherloc (09022015). Collection method: clinical testing. Allele origin: germline.
Comment: This sequence change replaces arginine, which is basic and polar, with histidine, which is basic and polar, at codon 883 of the FAT2 protein (p.Arg883His). This variant is present in population databases (rs147663319, gnomAD 0.007%). This variant has not been reported in the literature in individuals affected with FAT2-related conditions. An algorithm developed to predict the effect of missense changes on protein structure and function (PolyPhen-2) suggests that this variant is likely to be tolerated. In summary, the available evidence is currently insufficient to determine the role of this variant in disease. Therefore, it has been classified as a Variant of Uncertain Significance.

NM_001447.3(FAT2):c.2648G>A (p.Arg883His)

Gene: FAT2 (FAT atypical cadherin 2; minus strand). Cytogenetic location: 5q33.1.
Variant type: single nucleotide variant.
Coding change: c.2648G>A on transcript NM_001447.3 (MANE Select); coding-DNA position 2648, G replaced by A.
Protein change: p.Arg883His; replaces arginine 883 with histidine.
Molecular consequence: missense variant.
Genome position (GRCh38, 1-based): chr5:151,566,284, C>T on the plus strand (G>A on the coding strand, the complement: FAT2 is on the minus strand). VCF-style: chr5-151566284-C-T. GRCh37 (hg19) VCF-style: chr5-150945845-C-T.
Other names: short protein forms R883H.
Identifiers: ClinVar variation 4775146 (VCV004775146.1).